The following is an entry in ClinVar:

ClinVar aggregate classification (germline): Uncertain significance (1 of 4 stars; one submission).

Conditions:
Charcot-Marie-Tooth disease axonal type 2O. Also called: CHARCOT-MARIE-TOOTH NEUROPATHY, AXONAL, TYPE 2O; CHARCOT-MARIE-TOOTH DISEASE, AXONAL, AUTOSOMAL DOMINANT, TYPE 2O; Charcot-Marie-Tooth Neuropathy Type 2O; Charcot-Marie-Tooth disease, axonal, type 20. Identifiers: Orphanet 284232, MedGen C3280220, MONDO:0013644, OMIM 614228.

Submission:

Labcorp Genetics (formerly Invitae), Labcorp
Classification: Uncertain significance for Charcot-Marie-Tooth disease axonal type 2O. Last evaluated: 2022-08-03. Review status: criteria provided, single submitter. Criteria: Invitae Variant Classification Sherloc (09022015). Collection method: clinical testing. Allele origin: germline.
Comment: In summary, the available evidence is currently insufficient to determine the role of this variant in disease. Therefore, it has been classified as a Variant of Uncertain Significance. Advanced modeling of protein sequence and biophysical properties (such as structural, functional, and spatial information, amino acid conservation, physicochemical variation, residue mobility, and thermodynamic stability) performed at Invitae indicates that this missense variant is not expected to disrupt DYNC1H1 protein function. This variant has not been reported in the literature in individuals affected with DYNC1H1-related conditions. This variant is not present in population databases (gnomAD no frequency). This sequence change replaces phenylalanine, which is neutral and non-polar, with leucine, which is neutral and non-polar, at codon 3520 of the DYNC1H1 protein (p.Phe3520Leu).

NM_001376.5(DYNC1H1):c.10558T>C (p.Phe3520Leu)

Gene: DYNC1H1 (dynein cytoplasmic 1 heavy chain 1; plus strand). Cytogenetic location: 14q32.31.
Variant type: single nucleotide variant.
Coding change: c.10558T>C on transcript NM_001376.5 (MANE Select); coding-DNA position 10558, T replaced by C.
Protein change: p.Phe3520Leu; replaces phenylalanine 3520 with leucine.
Molecular consequence: missense variant.
Genome position (GRCh38, 1-based): chr14:102,034,120, T>C. VCF-style: chr14-102034120-T-C. GRCh37 (hg19) VCF-style: chr14-102500457-T-C.
Other names: short protein forms F3520L.
Identifiers: ClinVar variation 1714917 (VCV001714917.5), dbSNP rs2503826198, ClinGen allele CA391027256.